The following is an entry in ClinVar:

NM_000214.3(JAG1):c.490A>G (p.Ser164Gly)

Gene: JAG1 (jagged canonical Notch ligand 1; minus strand). Cytogenetic location: 20p12.2.
Variant type: single nucleotide variant.
Coding change: c.490A>G on transcript NM_000214.3 (MANE Select); coding-DNA position 490, A replaced by G.
Protein change: p.Ser164Gly; replaces serine 164 with glycine.
Molecular consequence: missense variant.
Genome position (GRCh38, 1-based): chr20:10,658,672, T>C on the plus strand (A>G on the coding strand, the complement: JAG1 is on the minus strand). VCF-style: chr20-10658672-T-C. GRCh37 (hg19) VCF-style: chr20-10639320-T-C.
Other names: short protein forms S164G.
Identifiers: ClinVar variation 2872175 (VCV002872175.3), dbSNP rs2514526665, ClinGen allele CA408240526.

ClinVar aggregate classification (germline): Uncertain significance (1 of 4 stars; one submission).

Conditions:
Alagille syndrome due to a JAG1 point mutation. Also called: HEPATIC DUCTULAR HYPOPLASIA, SYNDROMATIC; JAG1-Related Alagille Syndrome; Alagille Syndrome 1. Identifiers: Orphanet 261619, Orphanet 52, MedGen C1956125, MONDO:0016862, OMIM 118450.

Allele frequency attached by ClinVar (database versions not stated): gnomAD exomes below 0.00001.
gnomAD v4.1: 1 of 1,614,226 alleles (0.000062%); highest among the groups gnomAD compares: Admixed American, 0.0017%; no homozygotes.

Submission:

Labcorp Genetics (formerly Invitae), Labcorp
Classification: Uncertain significance for Alagille syndrome due to a JAG1 point mutation. Last evaluated: 2023-08-07. Review status: criteria provided, single submitter. Criteria: Invitae Variant Classification Sherloc (09022015). Collection method: clinical testing. Allele origin: germline.
Comment: This sequence change replaces serine, which is neutral and polar, with glycine, which is neutral and non-polar, at codon 164 of the JAG1 protein (p.Ser164Gly). This variant is not present in population databases (gnomAD no frequency). This variant has not been reported in the literature in individuals affected with JAG1-related conditions. Advanced modeling of protein sequence and biophysical properties (such as structural, functional, and spatial information, amino acid conservation, physicochemical variation, residue mobility, and thermodynamic stability) performed at Invitae indicates that this missense variant is not expected to disrupt JAG1 protein function. In summary, the available evidence is currently insufficient to determine the role of this variant in disease. Therefore, it has been classified as a Variant of Uncertain Significance.